The following is an entry in ClinVar:

ClinVar aggregate classification (germline): Uncertain significance (1 of 4 stars; one submission).

Conditions:
Hereditary cancer-predisposing syndrome. Also called: Hereditary neoplastic syndrome; Neoplastic Syndromes, Hereditary; Hereditary Cancer Syndrome; Tumor predisposition. Identifiers: Orphanet 140162, MedGen C0027672, MeSH D009386, MONDO:0015356.

Submission:

Labcorp Genetics (formerly Invitae), Labcorp
Classification: Uncertain significance for Hereditary cancer-predisposing syndrome. Last evaluated: 2020-12-23. Review status: criteria provided, single submitter. Criteria: Invitae Variant Classification Sherloc (09022015). Collection method: clinical testing. Allele origin: germline.
Comment: This sequence change replaces valine with alanine at codon 150 of the RAD50 protein (p.Val150Ala). The valine residue is highly conserved and there is a small physicochemical difference between valine and alanine. This variant is not present in population databases (ExAC no frequency). This variant has not been reported in the literature in individuals with RAD50-related conditions. Algorithms developed to predict the effect of missense changes on protein structure and function (SIFT, PolyPhen-2, Align-GVGD) all suggest that this variant is likely to be disruptive, but these predictions have not been confirmed by published functional studies and their clinical significance is uncertain. In summary, the available evidence is currently insufficient to determine the role of this variant in disease. Therefore, it has been classified as a Variant of Uncertain Significance.

NM_005732.4(RAD50):c.449T>C (p.Val150Ala)

Gene: RAD50 (RAD50 double strand break repair protein; plus strand). Cytogenetic location: 5q31.1.
Variant type: single nucleotide variant.
Coding change: c.449T>C on transcript NM_005732.4 (MANE Select); coding-DNA position 449, T replaced by C.
Protein change: p.Val150Ala; replaces valine 150 with alanine.
Molecular consequence: missense variant.
Genome position (GRCh38, 1-based): chr5:132,579,400, T>C. VCF-style: chr5-132579400-T-C. GRCh37 (hg19) VCF-style: chr5-131915092-T-C.
Other names: short protein forms V150A.
Identifiers: ClinVar variation 965944 (VCV000965944.10), dbSNP rs1750462422, ClinGen allele CA360934098.